The following is an entry in ClinVar:

ClinVar aggregate classification (germline): Conflicting classifications of pathogenicity. Review status: criteria provided, conflicting classifications (1 of 4 stars). 2 submissions from 2 submitters: Uncertain significance (1); Likely benign (1). Last evaluated 2025-06-01.

Conditions:
Emery-Dreifuss muscular dystrophy (EDMD). Also called: Scapuloperoneal syndrome, X-linked (formerly); Humeroperoneal neuromuscular disease, (formerly). Identifiers: Orphanet 261, MedGen C0410189, MONDO:0016830.

Allele frequency attached by ClinVar (database versions not stated): ExAC 0.00002; gnomAD exomes 0.00002 and 0.00003; TOPMed 0.00002.
gnomAD v4.1: 49 of 1,613,946 alleles (0.003%); highest among the groups gnomAD compares: Admixed American, 0.0067%; no homozygotes.

Submissions (2):

Labcorp Genetics (formerly Invitae), Labcorp
Classification: Uncertain significance for Emery-Dreifuss muscular dystrophy. Last evaluated: 2025-06-01. Review status: criteria provided, single submitter. Criteria: Invitae Variant Classification Sherloc (09022015). Collection method: clinical testing. Allele origin: germline.
Comment: This sequence change replaces arginine, which is basic and polar, with glutamine, which is neutral and polar, at codon 379 of the SUN2 protein (p.Arg379Gln). This variant is present in population databases (rs763323157, gnomAD 0.009%). This variant has not been reported in the literature in individuals affected with SUN2-related conditions. ClinVar contains an entry for this variant (Variation ID: 962122). An algorithm developed to predict the effect of missense changes on protein structure and function outputs the following: PolyPhen-2: "Benign". The glutamine amino acid residue is found in multiple mammalian species, which suggests that this missense change does not adversely affect protein function. In summary, the available evidence is currently insufficient to determine the role of this variant in disease. Therefore, it has been classified as a Variant of Uncertain Significance.

Ambry Genetics
Classification: Likely benign. Last evaluated: 2021-11-12. Review status: criteria provided, single submitter. Criteria: Ambry Variant Classification Scheme 2023. Collection method: clinical testing. Allele origin: germline.

NM_015374.3(SUN2):c.1136G>A (p.Arg379Gln)

Genes: GTPBP1 (GTP binding protein 1; plus strand), SUN2 (Sad1 and UNC84 domain containing 2; minus strand). Cytogenetic location: 22q13.1.
Variant type: single nucleotide variant.
Coding change: c.1136G>A on transcript NM_015374.3 (MANE Select); coding-DNA position 1136, G replaced by A.
Protein change: p.Arg379Gln; replaces arginine 379 with glutamine.
Molecular consequence: missense variant.
Genome position (GRCh38, 1-based): chr22:38,741,504, C>T on the plus strand (G>A on the coding strand, the complement: SUN2 is on the minus strand). VCF-style: chr22-38741504-C-T. GRCh37 (hg19) VCF-style: chr22-39137509-C-T.
Other names: c.1199G>A, p.Arg400Gln (NM_001199579.2); c.1136G>A, p.Arg379Gln (NM_001199580.2); short protein forms R379Q, R400Q.
Identifiers: ClinVar variation 962122 (VCV000962122.10), dbSNP rs763323157, ClinGen allele CA10235662.